The following is an entry in ClinVar:

NM_002460.4(IRF4):c.1032C>A (p.Asn344Lys)

Gene: IRF4 (interferon regulatory factor 4; plus strand). Cytogenetic location: 6p25.3.
Variant type: single nucleotide variant.
Coding change: c.1032C>A on transcript NM_002460.4 (MANE Select); coding-DNA position 1032, C replaced by A.
Protein change: p.Asn344Lys; replaces asparagine 344 with lysine.
Molecular consequence: missense variant. On other transcripts: non-coding transcript variant (1).
Genome position (GRCh38, 1-based): chr6:401,710, C>A. VCF-style: chr6-401710-C-A. GRCh37 (hg19) VCF-style: chr6-401710-C-A.
Other names: c.1029C>A, p.Asn343Lys (NM_001195286.2); short protein forms N343K, N344K.
Identifiers: ClinVar variation 3643807 (VCV003643807.2).

ClinVar aggregate classification (germline): Uncertain significance (1 of 4 stars; one submission).

Submission:

Labcorp Genetics (formerly Invitae), Labcorp
Classification: Uncertain significance. Last evaluated: 2025-08-07. Review status: criteria provided, single submitter. Criteria: Invitae Variant Classification Sherloc (09022015). Collection method: clinical testing. Allele origin: germline.
Comment: This sequence change replaces asparagine, which is neutral and polar, with lysine, which is basic and polar, at codon 344 of the IRF4 protein (p.Asn344Lys). This variant is not present in population databases (gnomAD no frequency). This variant has not been reported in the literature in individuals affected with IRF4-related conditions. ClinVar contains an entry for this variant (Variation ID: 3643807). An algorithm developed to predict the effect of missense changes on protein structure and function (PolyPhen-2) suggests that this variant is likely to be tolerated. In summary, the available evidence is currently insufficient to determine the role of this variant in disease. Therefore, it has been classified as a Variant of Uncertain Significance.